The following is an entry in ClinVar:

ClinVar aggregate classification (germline): Uncertain significance. Review status: criteria provided, multiple submitters, no conflicts (2 of 4 stars). 2 submissions from 2 submitters: Uncertain significance (2). Last evaluated 2025-11-06.

Conditions:
Hereditary cancer-predisposing syndrome. Also called: Tumor predisposition; Hereditary Cancer Syndrome; Hereditary neoplastic syndrome; Neoplastic Syndromes, Hereditary. Identifiers: Orphanet 140162, MedGen C0027672, MeSH D009386, MONDO:0015356.
POLD1-related polyposis and colorectal cancer syndrome (CRCS10). Also called: Colorectal cancer 10; Colorectal cancer, susceptibility to, 10; COLORECTAL CANCER, SUSCEPTIBILITY TO, ON CHROMOSOME 19q. Identifiers: Orphanet 220460, MedGen C2675481, MONDO:0012953, OMIM 612591.

Submissions (2):

Ambry Genetics
Classification: Uncertain significance for Hereditary cancer-predisposing syndrome. Last evaluated: 2025-11-06. Review status: criteria provided, single submitter. Criteria: Ambry Variant Classification Scheme 2023. Collection method: clinical testing. Allele origin: germline.
Comment: The p.A152S variant (also known as c.454G>T), located in coding exon 3 of the POLD1 gene, results from a G to T substitution at nucleotide position 454. The alanine at codon 152 is replaced by serine, an amino acid with similar properties. This amino acid position is well conserved in available vertebrate species. In addition, this alteration is predicted to be tolerated by in silico analysis. Based on the available evidence, the clinical significance of this variant remains unclear.

Labcorp Genetics (formerly Invitae), Labcorp
Classification: Uncertain significance for POLD1-related polyposis and colorectal cancer syndrome. Last evaluated: 2025-01-28. Review status: criteria provided, single submitter. Criteria: Invitae Variant Classification Sherloc (09022015). Collection method: clinical testing. Allele origin: germline.
Comment: This sequence change replaces alanine, which is neutral and non-polar, with serine, which is neutral and polar, at codon 152 of the POLD1 protein (p.Ala152Ser). This variant is not present in population databases (gnomAD no frequency). This variant has not been reported in the literature in individuals affected with POLD1-related conditions. ClinVar contains an entry for this variant (Variation ID: 2772213). Invitae Evidence Modeling of protein sequence and biophysical properties (such as structural, functional, and spatial information, amino acid conservation, physicochemical variation, residue mobility, and thermodynamic stability) indicates that this missense variant is not expected to disrupt POLD1 protein function with a negative predictive value of 80%. In summary, the available evidence is currently insufficient to determine the role of this variant in disease. Therefore, it has been classified as a Variant of Uncertain Significance.

NM_002691.4(POLD1):c.454G>T (p.Ala152Ser)

Gene: POLD1 (DNA polymerase delta 1, catalytic subunit; plus strand). Cytogenetic location: 19q13.33.
Variant type: single nucleotide variant.
Coding change: c.454G>T on transcript NM_002691.4 (MANE Select); coding-DNA position 454, G replaced by T.
Protein change: p.Ala152Ser; replaces alanine 152 with serine.
Molecular consequence: missense variant. On other transcripts: non-coding transcript variant (1).
Genome position (GRCh38, 1-based): chr19:50,401,915, G>T. VCF-style: chr19-50401915-G-T. GRCh37 (hg19) VCF-style: chr19-50905172-G-T.
Other names: c.454G>T, p.Ala152Ser (NM_001256849.1, NM_001308632.1); c.454G>T (NM_002691.2); short protein forms A152S.
Identifiers: ClinVar variation 2772213 (VCV002772213.4), dbSNP rs1555789809, ClinGen allele CA406972765.